The following is an entry in ClinVar:

ClinVar aggregate classification (germline): Benign (0 of 4 stars; one submission).

Conditions:
PER3-related disorder. Also called: PER3-related condition.

Allele frequency attached by ClinVar (database versions not stated): ExAC 0.13474; 1000 Genomes Project 0.24481; gnomAD exomes 0.29895.

Submission:

PreventionGenetics, part of Exact Sciences
Classification: Benign for PER3-related condition. Last evaluated: 2019-10-17. Review status: no assertion criteria provided. Collection method: clinical testing. Allele origin: germline.
Comment: This variant is classified as benign based on ACMG/AMP sequence variant interpretation guidelines (Richards et al. 2015 PMID: 25741868, with internal and published modifications).

NM_001377275.1(PER3):c.3057A>G (p.Thr1019=)

Gene: PER3 (period circadian regulator 3; plus strand). Cytogenetic location: 1p36.23.
Variant type: single nucleotide variant.
Coding change: c.3057A>G on transcript NM_001377275.1 (MANE Select); coding-DNA position 3057, A replaced by G.
Protein change: p.Thr1019=; no amino-acid change (threonine 1019 retained).
Molecular consequence: synonymous variant. On other transcripts: splice acceptor variant (2).
Genome position (GRCh38, 1-based): chr1:7,830,004, A>G. VCF-style: chr1-7830004-A-G. GRCh37 (hg19) VCF-style: chr1-7890064-A-G.
Other names: c.3057A>G, p.Thr1019= (NM_001289862.2); c.2097A>G, p.Thr699= (NM_001289864.3); c.3033A>G, p.Thr1011= (NM_001377276.1); c.3030A>G, p.Thr1010= (NM_016831.4); c.3002-2A>G (NM_001289861.2); c.2981-2A>G (NM_001289863.3).
Identifiers: ClinVar variation 3060328 (VCV003060328.2), dbSNP rs12023156, ClinGen allele CA568659.
Genomic context (GRCh38, chr1:7,830,004, plus strand): 5'-GTCCACAGGATCGCCTCCCATGAAGAATCCATCCCATCCTACTGCCAGCGCTCTGTCCAC[A>G]GGATCGCCTCCCATGAAGAATCCATCCCATCCTACTGCCAGCACACTGTCCATGGGATTG-3'
Protein context (NP_001364204.1, residues 1009-1029): PSHPTASALS[Thr1019=]GSPPMKNPSH